The following is an entry in ClinVar:

NM_014989.7(RIMS1):c.1669A>C (p.Ser557Arg)

Genes: RIMS1 (regulating synaptic membrane exocytosis 1; plus strand), LOC129996709 (ATAC-STARR-seq lymphoblastoid active region 24736; plus strand). Cytogenetic location: 6q13.
Variant type: single nucleotide variant.
Coding change: c.1669A>C on transcript NM_014989.7 (MANE Select); coding-DNA position 1669, A replaced by C.
Protein change: p.Ser557Arg; replaces serine 557 with arginine.
Molecular consequence: missense variant.
Genome position (GRCh38, 1-based): chr6:72,183,140, A>C. VCF-style: chr6-72183140-A-C. GRCh37 (hg19) VCF-style: chr6-72892843-A-C.
Other names: short protein forms S557R.
Identifiers: ClinVar variation 1351628 (VCV001351628.8), dbSNP rs2153970774, ClinGen allele CA364822642.

ClinVar aggregate classification (germline): Uncertain significance (1 of 4 stars; one submission).

Submission:

Labcorp Genetics (formerly Invitae), Labcorp
Classification: Uncertain significance. Last evaluated: 2022-06-20. Review status: criteria provided, single submitter. Criteria: Invitae Variant Classification Sherloc (09022015). Collection method: clinical testing. Allele origin: germline.
Comment: This variant has not been reported in the literature in individuals affected with RIMS1-related conditions. This variant is not present in population databases (gnomAD no frequency). This sequence change replaces serine, which is neutral and polar, with arginine, which is basic and polar, at codon 557 of the RIMS1 protein (p.Ser557Arg). Algorithms developed to predict the effect of missense changes on protein structure and function are either unavailable or do not agree on the potential impact of this missense change (SIFT: "Deleterious"; PolyPhen-2: "Possibly Damaging"; Align-GVGD: "Class C0"). In summary, the available evidence is currently insufficient to determine the role of this variant in disease. Therefore, it has been classified as a Variant of Uncertain Significance.